The following is an entry in ClinVar:

NM_032737.4(LMNB2):c.728A>G (p.Glu243Gly)

Gene: LMNB2 (lamin B2; minus strand). Cytogenetic location: 19p13.3.
Variant type: single nucleotide variant.
Coding change: c.728A>G on transcript NM_032737.4 (MANE Select); coding-DNA position 728, A replaced by G.
Protein change: p.Glu243Gly; replaces glutamic acid 243 with glycine.
Molecular consequence: missense variant.
Genome position (GRCh38, 1-based): chr19:2,435,128, T>C on the plus strand (A>G on the coding strand, the complement: LMNB2 is on the minus strand). VCF-style: chr19-2435128-T-C. GRCh37 (hg19) VCF-style: chr19-2435126-T-C.
Other names: short protein forms E243G.
Identifiers: ClinVar variation 4782650 (VCV004782650.1).
Genomic context (GRCh38, chr19:2,435,128, plus strand): 5'-AGCTCCTCCAGCGCCTGTGCCATCTTGAAGTCGTACTCCTGCTGCCGGCTGCTGTCCACC[T>C]CCACCAGGCGCCGCTCGTGCCGCCGCCGCGTCTCCCGCACCTCCTGCGGACCAAGGCTTC-3'
Protein context (NP_116126.3, residues 233-253): TRRRHERRLV[Glu243Gly]VDSSRQQEYD

ClinVar aggregate classification (germline): Uncertain significance (1 of 4 stars; one submission).

Conditions:
Progressive myoclonic epilepsy type 9. Identifiers: Orphanet 457265, MedGen C4225289, MONDO:0014685, OMIM 616540.
Lipodystrophy, partial, acquired, susceptibility to (APLD). Also called: APLD, SUSCEPTIBILITY TO. Identifiers: MedGen C3887501, MONDO:0100476, OMIM 608709.

gnomAD v4.1: 6 of 1,606,984 alleles (0.00037%); highest among the groups gnomAD compares: Non-Finnish European, 0.00051%; no homozygotes.

Submission:

Labcorp Genetics (formerly Invitae), Labcorp
Classification: Uncertain significance for Progressive myoclonic epilepsy type 9; Lipodystrophy, partial, acquired, susceptibility to. Last evaluated: 2025-06-09. Review status: criteria provided, single submitter. Criteria: Invitae Variant Classification Sherloc (09022015). Collection method: clinical testing. Allele origin: germline.
Comment: This sequence change replaces glutamic acid, which is acidic and polar, with glycine, which is neutral and non-polar, at codon 243 of the LMNB2 protein (p.Glu243Gly). The frequency data for this variant in the population databases is considered unreliable, as metrics indicate poor data quality at this position in the gnomAD database. This variant has not been reported in the literature in individuals affected with LMNB2-related conditions. Invitae Evidence Modeling of protein sequence and biophysical properties (such as structural, functional, and spatial information, amino acid conservation, physicochemical variation, residue mobility, and thermodynamic stability) indicates that this missense variant is expected to disrupt LMNB2 protein function with a positive predictive value of 80%. In summary, the available evidence is currently insufficient to determine the role of this variant in disease. Therefore, it has been classified as a Variant of Uncertain Significance.